The following is an entry in ClinVar:

NM_032237.5(POMK):c.796G>A (p.Val266Met)

Gene: POMK (protein O-mannose kinase; plus strand). Cytogenetic location: 8p11.21.
Variant type: single nucleotide variant.
Coding change: c.796G>A on transcript NM_032237.5 (MANE Select); coding-DNA position 796, G replaced by A.
Protein change: p.Val266Met; replaces valine 266 with methionine.
Molecular consequence: missense variant.
Genome position (GRCh38, 1-based): chr8:43,122,620, G>A. VCF-style: chr8-43122620-G-A. GRCh37 (hg19) VCF-style: chr8-42977763-G-A.
Other names: c.796G>A, p.Val266Met (NM_001277971.2); short protein forms V266M.
Identifiers: ClinVar variation 1045451 (VCV001045451.2), dbSNP rs543448796, ClinGen allele CA4736359.
Genomic context (GRCh38, chr8:43,122,620, plus strand): 5'-CACAGGGAGCTGCATGGGGATTTCGTGGCTCCAGAGCAACTGTGGCCCTATGGAGAGGAC[G>A]TGCCTTTCCACGATGATCTCATGCCCTCATATGATGAGAAGATTGACATTTGGAAGATCC-3'
Protein context (NP_115613.1, residues 256-276): PEQLWPYGED[Val266Met]PFHDDLMPSY

ClinVar aggregate classification (germline): Uncertain significance (1 of 4 stars; one submission).

Conditions:
Muscular dystrophy-dystroglycanopathy (congenital with brain and eye anomalies), type a, 12 (MDDGA12). Also called: WALKER-WARBURG SYNDROME OR MUSCLE-EYE-BRAIN DISEASE, POMK-RELATED. Identifiers: Orphanet 899, MedGen C3808964, MONDO:0014101, OMIM 615249.
Limb-girdle muscular dystrophy due to POMK deficiency. Also called: MUSCULAR DYSTROPHY-DYSTROGLYCANOPATHY, LIMB-GIRDLE, POMK-RELATED; Muscular dystrophy-dystroglycanopathy (limb-girdle), type c, 12. Identifiers: Orphanet 445110, MedGen C4015184, MONDO:0014489, OMIM 616094.

Allele frequency attached by ClinVar (database versions not stated): gnomAD exomes 0.00001; ExAC 0.00002; TOPMed 0.00002; gnomAD 0.00004 and 0.00005; 1000 Genomes Project 30x 0.00016; 1000 Genomes Project 0.00020.
gnomAD v4.1: 23 of 1,614,160 alleles (0.0014%); highest among the groups gnomAD compares: Middle Eastern, 0.016%; no homozygotes.

Submission:

Labcorp Genetics (formerly Invitae), Labcorp
Classification: Uncertain significance for Muscular dystrophy-dystroglycanopathy (congenital with brain and eye anomalies), type a, 12; Limb-girdle muscular dystrophy due to POMK deficiency. Last evaluated: 2022-08-23. Review status: criteria provided, single submitter. Criteria: Invitae Variant Classification Sherloc (09022015). Collection method: clinical testing. Allele origin: germline.
Comment: This sequence change replaces valine, which is neutral and non-polar, with methionine, which is neutral and non-polar, at codon 266 of the POMK protein (p.Val266Met). This variant is present in population databases (rs543448796, gnomAD 0.01%). This variant has not been reported in the literature in individuals affected with POMK-related conditions. ClinVar contains an entry for this variant (Variation ID: 1045451). Algorithms developed to predict the effect of missense changes on protein structure and function output the following: SIFT: "Tolerated"; PolyPhen-2: "Benign"; Align-GVGD: "Class C0". The methionine amino acid residue is found in multiple mammalian species, which suggests that this missense change does not adversely affect protein function. In summary, the available evidence is currently insufficient to determine the role of this variant in disease. Therefore, it has been classified as a Variant of Uncertain Significance.